The following is an entry in ClinVar:

ClinVar aggregate classification (germline): Likely benign. Review status: criteria provided, multiple submitters, no conflicts (2 of 4 stars). 2 submissions from 2 submitters: Likely benign (2). Last evaluated 2026-03-23.

Conditions:
MRTFA-related disorder. Also called: MRTFA-related condition.

Allele frequency attached by ClinVar (database versions not stated): 1000 Genomes Project 0.00020; ExAC 0.00023; gnomAD exomes 0.00023 and 0.00010; gnomAD 0.00005 and 0.00009; ESP Exome Variant Server 0.00008; TOPMed 0.00009; 1000 Genomes Project 30x 0.00016.
gnomAD v4.1: 156 of 1,590,366 alleles (0.0098%); highest among the groups gnomAD compares: East Asian, 0.16%; 2 homozygotes.

Submissions (2):

PreventionGenetics, part of Exact Sciences
Classification: Likely benign for MRTFA-related condition. Last evaluated: 2026-03-23. Review status: criteria provided, single submitter. Criteria: ACMG Guidelines, 2015. Collection method: clinical testing. Allele origin: germline.
Comment: This variant is classified as likely benign based on ACMG/AMP sequence variant interpretation guidelines (Richards et al. 2015 PMID: 25741868, with internal and published modifications).

Labcorp Genetics (formerly Invitae), Labcorp
Classification: Likely benign. Last evaluated: 2025-12-17. Review status: criteria provided, single submitter. Criteria: Invitae Variant Classification Sherloc (09022015). Collection method: clinical testing. Allele origin: germline.

NM_020831.6(MRTFA):c.881A>G (p.Asn294Ser)

Gene: MRTFA (myocardin related transcription factor A; minus strand). Cytogenetic location: 22q13.1.
Variant type: single nucleotide variant.
Coding change: c.881A>G on transcript NM_020831.6 (MANE Select); coding-DNA position 881, A replaced by G.
Protein change: p.Asn294Ser; replaces asparagine 294 with serine.
Molecular consequence: missense variant. On other transcripts: intron variant (1).
Genome position (GRCh38, 1-based): chr22:40,423,582, T>C on the plus strand (A>G on the coding strand, the complement: MRTFA is on the minus strand). VCF-style: chr22-40423582-T-C. GRCh37 (hg19) VCF-style: chr22-40819586-T-C.
Other names: c.581A>G (NM_020831.4); c.581A>G, p.Asn194Ser (NM_001282660.2); c.881A>G, p.Asn294Ser (NM_001282662.3); c.686A>G, p.Asn229Ser (NM_001318139.2); c.777+624A>G (NM_001282661.3); short protein forms N194S, N229S, N294S.
Identifiers: ClinVar variation 1683135 (VCV001683135.9), dbSNP rs145068709, ClinGen allele CA10249846.